The following is an entry in ClinVar:

NM_130837.3(OPA1):c.254G>A (p.Arg85His)

Gene: OPA1 (OPA1 mitochondrial dynamin like GTPase; plus strand). Cytogenetic location: 3q29.
Variant type: single nucleotide variant.
Coding change: c.254G>A on transcript NM_130837.3 (MANE Select); coding-DNA position 254, G replaced by A.
Protein change: p.Arg85His; replaces arginine 85 with histidine.
Molecular consequence: missense variant. On other transcripts: 5 prime UTR variant (2).
Genome position (GRCh38, 1-based): chr3:193,614,944, G>A. VCF-style: chr3-193614944-G-A. GRCh37 (hg19) VCF-style: chr3-193332733-G-A.
Other names: c.254G>A, p.Arg85His (NM_130836.3, NM_015560.3, NM_130831.3 and 4 more transcripts); c.254G>A (NM_130837.2); c.-119G>A (NM_001354663.2, NM_001354664.2); short protein forms R85H.
Identifiers: ClinVar variation 95721 (VCV000095721.26), dbSNP rs35630194, ClinGen allele CA148772.

ClinVar aggregate classification (germline): Conflicting classifications of pathogenicity. Review status: criteria provided, conflicting classifications (1 of 4 stars). 8 submissions from 8 submitters: Uncertain significance (1); Benign (4); Likely benign (2). 1 of the submissions does not count toward it. Last evaluated 2026-01-27.

Conditions:
OPA1-related disorder. Also called: OPA1-related condition; OPA1-related disorders.
Inborn genetic diseases. Identifiers: MedGen C0950123, MeSH D030342.
Autosomal dominant optic atrophy classic form (OPA1). Also called: OPTIC ATROPHY, JUVENILE; Optic Atrophy Type 1; KJER-TYPE OPTIC ATROPHY. Identifiers: Orphanet 98673, MedGen C0338508, MONDO:0008134, OMIM 165500.

Allele frequency attached by ClinVar (database versions not stated): 1000 Genomes Project 0.00080; ESP Exome Variant Server 0.00062; gnomAD 0.00066 and 0.00068; TOPMed 0.00071; gnomAD exomes 0.00018; 1000 Genomes Project 30x 0.00078; ExAC 0.00021.
gnomAD v4.1: 240 of 1,613,836 alleles (0.015%); highest among the groups gnomAD compares: African/African-American, 0.24%; 1 homozygote.

Submissions (8):

Labcorp Genetics (formerly Invitae), Labcorp
Classification: Benign. Last evaluated: 2026-01-27. Review status: criteria provided, single submitter. Criteria: Invitae Variant Classification Sherloc (09022015). Collection method: clinical testing. Allele origin: germline.

Blueprint Genetics
Classification: Benign. Last evaluated: 2022-01-29. Review status: criteria provided, single submitter. Criteria: ACMG Guidelines, 2015. Collection method: clinical testing. Allele origin: germline.

Ambry Genetics
Classification: Likely benign for Inborn genetic diseases. Last evaluated: 2021-07-21. Review status: criteria provided, single submitter. Criteria: Ambry Variant Classification Scheme 2023. Collection method: clinical testing. Allele origin: germline.

GeneDx
Classification: Likely benign. Last evaluated: 2021-05-15. Review status: criteria provided, single submitter. Criteria: GeneDx Variant Classification Process June 2021. Collection method: clinical testing. Allele origin: germline. Affected: yes.

Mayo Clinic Laboratories, Mayo Clinic
Classification: Uncertain significance. Last evaluated: 2021-02-08. Review status: criteria provided, single submitter. Criteria: ACMG Guidelines, 2015. Collection method: clinical testing. Allele origin: germline. Observed: 1 variant allele.

Illumina Laboratory Services, Illumina
Classification: Benign for Autosomal dominant optic atrophy classic form. Last evaluated: 2018-01-13. Review status: criteria provided, single submitter. Criteria: ICSL Variant Classification Criteria 13 December 2019. Collection method: clinical testing. Allele origin: germline.
Comment: This variant was observed in the ICSL laboratory as part of a predisposition screen in an ostensibly healthy population. It had not been previously curated by ICSL or reported in the Human Gene Mutation Database (HGMD: prior to June 1st, 2018), and was therefore a candidate for classification through an automated scoring system. Utilizing variant allele frequency, disease prevalence and penetrance estimates, and inheritance mode, an automated score was calculated to assess if this variant is too frequent to cause the disease. Based on the score and internal cut-off values, a variant classified as benign is not then subjected to further curation. The score for this variant resulted in a classification of benign for this disease.

Eurofins Ntd Llc (ga)
Classification: Benign. Last evaluated: 2013-03-09. Review status: criteria provided, single submitter. Criteria: EGL Classification Definitions 2015. Collection method: clinical testing. Allele origin: germline. Observed: 2 variant alleles, 2 heterozygotes.

PreventionGenetics, part of Exact Sciences
Classification: Likely benign for OPA1-related condition. Last evaluated: 2024-03-15. Review status: no assertion criteria provided. Collection method: clinical testing. Allele origin: germline. Not counted in ClinVar's aggregate classification.
Comment: This variant is classified as likely benign based on ACMG/AMP sequence variant interpretation guidelines (Richards et al. 2015 PMID: 25741868, with internal and published modifications).